The following is an entry in ClinVar:

NM_001130144.3(LTBP3):c.3763A>G (p.Ile1255Val)

Gene: LTBP3 (latent transforming growth factor beta binding protein 3; minus strand). Cytogenetic location: 11q13.1.
Variant type: single nucleotide variant.
Coding change: c.3763A>G on transcript NM_001130144.3 (MANE Select); coding-DNA position 3763, A replaced by G.
Protein change: p.Ile1255Val; replaces isoleucine 1255 with valine.
Molecular consequence: missense variant.
Genome position (GRCh38, 1-based): chr11:65,539,229, T>C on the plus strand (A>G on the coding strand, the complement: LTBP3 is on the minus strand). VCF-style: chr11-65539229-T-C. GRCh37 (hg19) VCF-style: chr11-65306700-T-C.
Other names: c.3271A>G, p.Ile1091Val (NM_001164266.1); c.3622A>G, p.Ile1208Val (NM_021070.4); short protein forms I1255V, I1091V, I1208V.
Identifiers: ClinVar variation 4049874 (VCV004049874.1).
Genomic context (GRCh38, chr11:65,539,229, plus strand): 5'-TCACGCAGCGCTCGCTCTTGCACAGCAGCCCGCGCTGGTTCAGCTCTCGGCACTCGTCGA[T>C]ATCTGAAGGTGAGGGCGACAGGTGCGGCTTCGCTGAGCCTCCAGGCGGCTCCTCACCACC-3'
Protein context (NP_001123616.1, residues 1245-1265): LDASRARCVD[Ile1255Val]DECRELNQRG

ClinVar aggregate classification (germline): Uncertain significance (1 of 4 stars; one submission).

Conditions:
Inborn genetic diseases. Identifiers: MedGen C0950123, MeSH D030342.

Submission:

Ambry Genetics
Classification: Uncertain significance for Inborn genetic diseases. Last evaluated: 2025-05-03. Review status: criteria provided, single submitter. Criteria: Ambry Variant Classification Scheme 2023. Collection method: clinical testing. Allele origin: germline.
Comment: The p.I1255V variant (also known as c.3763A>G), located in coding exon 28 of the LTBP3 gene, results from an A to G substitution at nucleotide position 3763. The isoleucine at codon 1255 is replaced by valine, an amino acid with highly similar properties. This amino acid position is conserved. In addition, the in silico prediction for this alteration is inconclusive. Based on the available evidence, the clinical significance of this variant remains unclear.